The following is an entry in ClinVar:

NM_004336.5(BUB1):c.3128A>G (p.His1043Arg)

Gene: BUB1 (BUB1 mitotic checkpoint serine/threonine kinase; minus strand). Cytogenetic location: 2q13.
Variant type: single nucleotide variant.
Coding change: c.3128A>G on transcript NM_004336.5 (MANE Select); coding-DNA position 3128, A replaced by G.
Protein change: p.His1043Arg; replaces histidine 1043 with arginine.
Molecular consequence: missense variant.
Genome position (GRCh38, 1-based): chr2:110,638,094, T>C on the plus strand (A>G on the coding strand, the complement: BUB1 is on the minus strand). VCF-style: chr2-110638094-T-C. GRCh37 (hg19) VCF-style: chr2-111395671-T-C.
Other names: c.3068A>G, p.His1023Arg (NM_001278616.2); c.2957A>G, p.His986Arg (NM_001278617.2); short protein forms H1023R, H1043R, H986R.
Identifiers: ClinVar variation 3224084 (VCV003224084.1), dbSNP rs2467963499, ClinGen allele CA348088486.
Genomic context (GRCh38, chr2:110,638,094, plus strand): 5'-GTATAGTGTTGTTGAAATACTTTCTTCAGCTTTTGCCTTAACAAATCCAAAGATGGAAGA[T>C]GATGACAATCTGGAATATTCAACATAACATGAAAAAATTCATTCCACATATCCAAATGAG-3'
Protein context (NP_004327.1, residues 1033-1053): HVMLNIPDCH[His1043Arg]LPSLDLLRQK

ClinVar aggregate classification (germline): Uncertain significance (1 of 4 stars; one submission).

Allele frequency attached by ClinVar (database versions not stated): gnomAD exomes below 0.00001.

Submission:

Ambry Genetics
Classification: Uncertain significance. Last evaluated: 2023-12-24. Review status: criteria provided, single submitter. Criteria: Ambry Variant Classification Scheme 2023. Collection method: clinical testing. Allele origin: germline.
Comment: The p.H1043R variant (also known as c.3128A>G), located in coding exon 25 of the BUB1 gene, results from an A to G substitution at nucleotide position 3128. The histidine at codon 1043 is replaced by arginine, an amino acid with highly similar properties. This amino acid position is conserved. In addition, this alteration is predicted to be tolerated by in silico analysis. Since supporting evidence is limited at this time, the clinical significance of this alteration remains unclear.